The following is an entry in ClinVar:

ClinVar aggregate classification (germline): Conflicting classifications of pathogenicity. Review status: criteria provided, conflicting classifications (1 of 4 stars). 2 submissions from 2 submitters: Uncertain significance (1); Likely benign (1). Last evaluated 2026-09-01.

Conditions:
Emery-Dreifuss muscular dystrophy 5, autosomal dominant (EDMD5). Also called: EMERY-DREIFUSS MUSCULAR DYSTROPHY 5. Identifiers: Orphanet 261, MedGen C2751805, MONDO:0013072, OMIM 612999.

Allele frequency attached by ClinVar (database versions not stated): gnomAD 0.00001 and 0.00003; ExAC 0.00002; gnomAD exomes 0.00003; TOPMed 0.00004.
gnomAD v4.1: 40 of 1,613,914 alleles (0.0025%); highest among the groups gnomAD compares: East Asian, 0.016%; no homozygotes.

Submissions (2):

CeGaT Center for Human Genetics Tuebingen
Classification: Likely benign. Last evaluated: 2026-09-01. Review status: criteria provided, single submitter. Criteria: CeGaT Center For Human Genetics Tuebingen Variant Classification Criteria Version 2. Collection method: clinical testing. Allele origin: germline. Affected: yes. Observed: 1 variant allele.
Comment: SYNE2: BS2

Labcorp Genetics (formerly Invitae), Labcorp
Classification: Uncertain significance for Emery-Dreifuss muscular dystrophy 5, autosomal dominant. Last evaluated: 2025-09-18. Review status: criteria provided, single submitter. Criteria: Invitae Variant Classification Sherloc (09022015). Collection method: clinical testing. Allele origin: germline.
Comment: This sequence change replaces asparagine, which is neutral and polar, with serine, which is neutral and polar, at codon 202 of the SYNE2 protein (p.Asn202Ser). This variant is present in population databases (rs746518493, gnomAD 0.006%). This variant has not been reported in the literature in individuals affected with SYNE2-related conditions. ClinVar contains an entry for this variant (Variation ID: 580427). An algorithm developed to predict the effect of missense changes on protein structure and function outputs the following: PolyPhen-2: "Benign". The serine amino acid residue is found in multiple mammalian species, which suggests that this missense change does not adversely affect protein function. In summary, the available evidence is currently insufficient to determine the role of this variant in disease. Therefore, it has been classified as a Variant of Uncertain Significance.

NM_182914.3(SYNE2):c.605A>G (p.Asn202Ser)

Gene: SYNE2 (spectrin repeat containing nuclear envelope protein 2; plus strand). Cytogenetic location: 14q23.2.
Variant type: single nucleotide variant.
Coding change: c.605A>G on transcript NM_182914.3 (MANE Select); coding-DNA position 605, A replaced by G.
Protein change: p.Asn202Ser; replaces asparagine 202 with serine.
Molecular consequence: missense variant.
Genome position (GRCh38, 1-based): chr14:63,954,733, A>G. VCF-style: chr14-63954733-A-G. GRCh37 (hg19) VCF-style: chr14-64421451-A-G.
Other names: c.605A>G, p.Asn202Ser (NM_015180.6); short protein forms N202S.
Identifiers: ClinVar variation 580427 (VCV000580427.9), dbSNP rs746518493, ClinGen allele CA7219171.
Genomic context (GRCh38, chr14:63,954,733, plus strand): 5'-CGTTCTTTTTAATGGTATTTGTCATGTTTTTGTCTTTTTATGATAGCTATGAGTCTGTCA[A>G]TGTGACCGATTTTAAGTCAAGTTGGAGAAATGGGATGGCTTTTTTGGCCATCATTCATGC-3'
Protein context (NP_878918.2, residues 192-212): QEQCATYESV[Asn202Ser]VTDFKSSWRN